The following is an entry in ClinVar:

ClinVar aggregate classification (germline): Conflicting classifications of pathogenicity. Review status: criteria provided, conflicting classifications (1 of 4 stars). 8 submissions from 8 submitters: Pathogenic (1); Likely pathogenic (1); Uncertain significance (6). Last evaluated 2026-07-17.

Conditions:
Hereditary cancer-predisposing syndrome. Also called: Hereditary Cancer Syndrome; Hereditary neoplastic syndrome; Neoplastic Syndromes, Hereditary; Tumor predisposition. Identifiers: Orphanet 140162, MedGen C0027672, MeSH D009386, MONDO:0015356.
Gastric cancer. Also called: Stomach cancer; Malignant tumor of stomach. Identifiers: MedGen C0024623, MeSH D013274, MONDO:0001056, OMIM 613659, HP:0012126.
Familial adenomatous polyposis 2. Also called: MUTYH-associated polyposis; Adenomas, multiple colorectal; ADENOMAS, MULTIPLE COLORECTAL, AUTOSOMAL RECESSIVE; FAP type 2; MUTYH-related attenuated familial adenomatous polyposis; MYH-associated polyposis. Identifiers: Orphanet 220460, Orphanet 247798, MedGen C3272841, MONDO:0012041, OMIM 608456.

Allele frequency attached by ClinVar (database versions not stated): gnomAD exomes below 0.00001; TOPMed 0.00001; gnomAD 0.00001.
gnomAD v4.1: 4 of 1,613,974 alleles (0.00025%); highest among the groups gnomAD compares: Admixed American, 0.0017%; no homozygotes.

Submissions (8):

Myriad Genetics, Inc.
Classification: Likely pathogenic for Familial adenomatous polyposis 2. Last evaluated: 2026-07-17. Review status: criteria provided, single submitter. Criteria: Myriad Autosomal Dominant, Autosomal Recessive and X-Linked Classification Criteria (2023). Collection method: clinical testing. Allele origin: unknown.
Comment: This variant is considered likely pathogenic. This variant has been reported in an individual with clinical features of gene-specific disease [PMID: 27978560]. Functional studies indicate this variant impacts protein function [PMID: 40738107]. This variant is expected to disrupt protein structure [Myriad internal data].

Labcorp Genetics (formerly Invitae), Labcorp
Classification: Uncertain significance for Familial adenomatous polyposis 2. Last evaluated: 2026-01-28. Review status: criteria provided, single submitter. Criteria: Invitae Variant Classification Sherloc (09022015). Collection method: clinical testing. Allele origin: germline.
Comment: This sequence change replaces glycine, which is neutral and non-polar, with aspartic acid, which is acidic and polar, at codon 233 of the MUTYH protein (p.Gly233Asp). This variant is present in population databases (rs147487160, gnomAD 0.007%). This missense change has been observed in individual(s) with colorectal cancer (PMID: 27978560; internal data). This missense change has been observed to co-occur in individuals with a different variant in MUTYH that has been determined to be pathogenic (PMID: 27978560; internal data), but the significance of this finding is unclear. ClinVar contains an entry for this variant (Variation ID: 406839). An algorithm developed to predict the effect of missense changes on protein structure and function (PolyPhen-2) suggests that this variant is likely to be disruptive. In summary, the available evidence is currently insufficient to determine the role of this variant in disease. Therefore, it has been classified as a Variant of Uncertain Significance.

Ambry Genetics
Classification: Pathogenic for Hereditary cancer-predisposing syndrome. Last evaluated: 2025-02-13. Review status: criteria provided, single submitter. Criteria: Ambry Variant Classification Scheme 2023. Collection method: clinical testing. Allele origin: germline.
Comment: The p.G233D variant (also known as c.698G>A), located in coding exon 9 of the MUTYH gene, results from a G to A substitution at nucleotide position 698. The glycine at codon 233 is replaced by aspartic acid, an amino acid with similar properties. Based on internal structural analysis, G233D is strongly disruptive to the active site of MUTYH, a region enriched with pathogenic variants (Guan Y et al. Nat Struct Biol, 1998 Dec;5:1058-64; Luncsford PJ et al. J Mol Biol, 2010 Oct;403:351-70; Manuel RC et al. J Biol Chem, 2004 Nov;279:46930-9). This variant is considered to be rare based on population cohorts in the Genome Aggregation Database (gnomAD). This amino acid position is well conserved in available vertebrate species. In addition, this alteration is predicted to be deleterious by in silico analysis. Based on the supporting evidence, this alteration is interpreted as a disease-causing mutation.

Baylor Genetics
Classification: Uncertain significance for Familial adenomatous polyposis 2. Last evaluated: 2024-03-09. Review status: criteria provided, single submitter. Criteria: ACMG Guidelines, 2015. Collection method: clinical testing. Allele origin: unknown.

All of Us Research Program, National Institutes of Health
Classification: Uncertain significance for Familial adenomatous polyposis 2. Last evaluated: 2023-12-13. Review status: criteria provided, single submitter. Criteria: ACMG Guidelines, 2015. Collection method: clinical testing. Allele origin: germline. Inheritance: Autosomal recessive inheritance. Observed: 5 variant alleles, 5 heterozygotes.
Comment: This missense variant replaces glycine with aspartic acid at codon 233 of the MUTYH protein. Computational prediction suggests that this variant may have deleterious impact on protein structure and function (internally defined REVEL score threshold >= 0.7, PMID: 27666373). To our knowledge, functional studies have not been reported for this variant. This variant has been reported with a pathogenic co-variant in an individual affected with early-onset colorectal cancer (PMID: 27978560). This variant has been identified in 2/250678 chromosomes in the general population by the Genome Aggregation Database (gnomAD). The available evidence is insufficient to determine the role of this variant in disease conclusively. Therefore, this variant is classified as a Variant of Uncertain Significance.

This study involves interpretation of variants in research participants for the purpose of population health screening. Participant phenotype was not available at the time of variant classification. Additional details can be found in publication PMID: 35346344, PMCID: PMC8962531

Color Diagnostics, LLC DBA Color Health
Classification: Uncertain significance for Hereditary cancer-predisposing syndrome. Last evaluated: 2023-02-09. Review status: criteria provided, single submitter. Criteria: ACMG Guidelines, 2015. Collection method: clinical testing. Allele origin: germline.
Comment: This missense variant replaces glycine with aspartic acid at codon 233 of the MUTYH protein. Computational prediction suggests that this variant may have deleterious impact on protein structure and function (internally defined REVEL score threshold >= 0.7, PMID: 27666373). To our knowledge, functional studies have not been reported for this variant. This variant has been reported with a pathogenic co-variant in an individual affected with early-onset colorectal cancer (PMID: 27978560). This variant has been identified in 2/250678 chromosomes in the general population by the Genome Aggregation Database (gnomAD). The available evidence is insufficient to determine the role of this variant in disease conclusively. Therefore, this variant is classified as a Variant of Uncertain Significance.

Fulgent Genetics
Classification: Uncertain significance for Familial adenomatous polyposis 2; Gastric cancer. Last evaluated: 2022-03-15. Review status: criteria provided, single submitter. Criteria: ACMG Guidelines, 2015. Collection method: clinical testing. Allele origin: unknown.

GeneDx
Classification: Uncertain significance. Last evaluated: 2019-08-06. Review status: criteria provided, single submitter. Criteria: GeneDx Variant Classification Process June 2021. Collection method: clinical testing. Allele origin: germline. Affected: yes.
Comment: Not observed at a significant frequency in large population cohorts (Lek 2016); In silico analysis, which includes protein predictors and evolutionary conservation, supports a deleterious effect; Co-occurred with MUTYH p.Gly396Asp in an individual with MMR-deficient colorectal cancer and multiple adenomas (Pearlman 2017); This variant is associated with the following publications: (PMID: 27978560)

Literature cited by the submitters: PubMed 27978560 (cited by 5 submitters); PubMed 40738107 (cited by Myriad Genetics, Inc.); PubMed 15326180 (cited by Ambry Genetics); PubMed 20816984 (cited by Ambry Genetics); PubMed 9846876 (cited by Ambry Genetics).

NM_001048174.2(MUTYH):c.614G>A (p.Gly205Asp)

Gene: MUTYH (mutY DNA glycosylase; minus strand). Cytogenetic location: 1p34.1.
Variant type: single nucleotide variant.
Coding change: c.614G>A on transcript NM_001048174.2 (MANE Select); coding-DNA position 614, G replaced by A.
Protein change: p.Gly205Asp; replaces glycine 205 with aspartic acid.
Molecular consequence: missense variant. On other transcripts: non-coding transcript variant (2).
Genome position (GRCh38, 1-based): chr1:45,332,481, C>T on the plus strand (G>A on the coding strand, the complement: MUTYH is on the minus strand). VCF-style: chr1-45332481-C-T. GRCh37 (hg19) VCF-style: chr1-45798153-C-T.
Other names: c.614G>A, p.Gly205Asp (NM_001048171.2, NM_001048173.2, NM_001293195.2); c.617G>A, p.Gly206Asp (NM_001048172.2); c.698G>A, p.Gly233Asp (NM_001128425.2); c.659G>A, p.Gly220Asp (NM_001293190.2); c.647G>A, p.Gly216Asp (NM_001293191.2); c.338G>A, p.Gly113Asp (NM_001293192.2, NM_001293196.2); c.269G>A, p.Gly90Asp (NM_001350650.2, NM_001350651.2); c.689G>A, p.Gly230Asp (NM_012222.3); short protein forms G233D, G113D, G90D, G205D, G206D, G216D, G220D, G230D.
Identifiers: ClinVar variation 406839 (VCV000406839.26), dbSNP rs147487160, ClinGen allele CA058781.